The following is an entry in ClinVar:

ClinVar aggregate classification (germline): Uncertain significance (1 of 4 stars; one submission).

Allele frequency attached by ClinVar (database versions not stated): TOPMed 0.00001; gnomAD exomes below 0.00001.
gnomAD v4.1: 1 of 1,613,932 alleles (0.000062%); highest among the groups gnomAD compares: African/African-American, 0.0013%; no homozygotes.

Submission:

Labcorp Genetics (formerly Invitae), Labcorp
Classification: Uncertain significance. Last evaluated: 2025-06-12. Review status: criteria provided, single submitter. Criteria: Invitae Variant Classification Sherloc (09022015). Collection method: clinical testing. Allele origin: germline.
Comment: This sequence change replaces aspartic acid, which is acidic and polar, with glycine, which is neutral and non-polar, at codon 247 of the DSG1 protein (p.Asp247Gly). This variant is not present in population databases (gnomAD no frequency). This variant has not been reported in the literature in individuals affected with DSG1-related conditions. ClinVar contains an entry for this variant (Variation ID: 2991453). Invitae Evidence Modeling of protein sequence and biophysical properties (such as structural, functional, and spatial information, amino acid conservation, physicochemical variation, residue mobility, and thermodynamic stability) indicates that this missense variant is not expected to disrupt DSG1 protein function with a negative predictive value of 80%. In summary, the available evidence is currently insufficient to determine the role of this variant in disease. Therefore, it has been classified as a Variant of Uncertain Significance.

NM_001942.4(DSG1):c.740A>G (p.Asp247Gly)

Gene: DSG1 (desmoglein 1; plus strand). Cytogenetic location: 18q12.1.
Variant type: single nucleotide variant.
Coding change: c.740A>G on transcript NM_001942.4 (MANE Select); coding-DNA position 740, A replaced by G.
Protein change: p.Asp247Gly; replaces aspartic acid 247 with glycine.
Molecular consequence: missense variant.
Genome position (GRCh38, 1-based): chr18:31,333,644, A>G. VCF-style: chr18-31333644-A-G. GRCh37 (hg19) VCF-style: chr18-28913607-A-G.
Other names: short protein forms D247G.
Identifiers: ClinVar variation 2991453 (VCV002991453.3), dbSNP rs2071734062, ClinGen allele CA402130242.
Genomic context (GRCh38, chr18:31,333,644, plus strand): 5'-TTTAGCAATACGGCCAGTATGCTCTTGCTGTAAGAGGCTCTGACCGAGATGGCGGGGCAG[A>G]TGGCATGTCAGCGGAATGTGAGTGCAACATTAAAATCCTCGATGTCAATGATAATATCCC-3'
Protein context (NP_001933.2, residues 237-257): VRGSDRDGGA[Asp247Gly]GMSAECECNI